The following is an entry in ClinVar:

ClinVar aggregate classification (germline): Uncertain significance (1 of 4 stars; one submission).

Conditions:
Hereditary cancer-predisposing syndrome. Also called: Neoplastic Syndromes, Hereditary; Tumor predisposition; Hereditary neoplastic syndrome; Hereditary Cancer Syndrome. Identifiers: Orphanet 140162, MedGen C0027672, MeSH D009386, MONDO:0015356.

gnomAD v4.1: 1 of 1,614,082 alleles (0.000062%); highest among the groups gnomAD compares: African/African-American, 0.0013%; no homozygotes.

Submission:

Ambry Genetics
Classification: Uncertain significance for Hereditary cancer-predisposing syndrome. Last evaluated: 2026-07-06. Review status: criteria provided, single submitter. Criteria: Ambry Variant Classification Scheme 2023. Collection method: clinical testing. Allele origin: germline.
Comment: The p.L139F variant (also known as c.417G>T), located in coding exon 4 of the CDH1 gene, results from a G to T substitution at nucleotide position 417. The leucine at codon 139 is replaced by phenylalanine, an amino acid with highly similar properties. This amino acid position is conserved. In addition, this alteration is predicted to be tolerated by in silico analysis. Based on the available evidence, the clinical significance of this variant remains unclear.

NM_004360.5(CDH1):c.417G>T (p.Leu139Phe)

Gene: CDH1 (cadherin 1; plus strand). Cytogenetic location: 16q22.1.
Variant type: single nucleotide variant.
Coding change: c.417G>T on transcript NM_004360.5 (MANE Select); coding-DNA position 417, G replaced by T.
Protein change: p.Leu139Phe; replaces leucine 139 with phenylalanine.
Molecular consequence: missense variant. On other transcripts: 5 prime UTR variant (2).
Genome position (GRCh38, 1-based): chr16:68,808,453, G>T. VCF-style: chr16-68808453-G-T. GRCh37 (hg19) VCF-style: chr16-68842356-G-T.
Other names: c.417G>T, p.Leu139Phe (NM_001317184.2); c.-1199G>T (NM_001317185.2); c.-1403G>T (NM_001317186.2); short protein forms L139F.
Identifiers: ClinVar variation 5033936 (VCV005033936.1).